The following is an entry in ClinVar:

NM_058216.3(RAD51C):c.659T>G (p.Leu220Arg)

Genes: RAD51C (RAD51 paralog C; plus strand), LOC129390903 (MPRA-validated peak2919 silencer; plus strand). Cytogenetic location: 17q22.
Variant type: single nucleotide variant.
Coding change: c.659T>G on transcript NM_058216.3 (MANE Select); coding-DNA position 659, T replaced by G.
Protein change: p.Leu220Arg; replaces leucine 220 with arginine.
Molecular consequence: missense variant. On other transcripts: non-coding transcript variant (1).
Genome position (GRCh38, 1-based): chr17:58,703,283, T>G. VCF-style: chr17-58703283-T-G. GRCh37 (hg19) VCF-style: chr17-56780644-T-G.
Other names: short protein forms L220R.
Identifiers: ClinVar variation 3663155 (VCV003663155.2).
Genomic context (GRCh38, chr17:58,703,283, plus strand): 5'-CTCTTGATAATATTCTTTCTCATATTTATTATTTTCGCTGTCGTGACTACACAGAGTTAC[T>G]GGCACAAGTTTATCTTCTTCCAGATTTCCTTTCAGAACACTCAAAGGTATGAGTCAGACT-3'
Protein context (NP_478123.1, residues 210-230): YFRCRDYTEL[Leu220Arg]AQVYLLPDFL

ClinVar aggregate classification (germline): Uncertain significance (1 of 4 stars; one submission).

Conditions:
Fanconi anemia complementation group O. Also called: RAD51C-Related Fanconi Anemia. Identifiers: Orphanet 84, MedGen C3150653, MONDO:0013248, OMIM 613390.

Submission:

Labcorp Genetics (formerly Invitae), Labcorp
Classification: Uncertain significance for Fanconi anemia complementation group O. Last evaluated: 2024-08-21. Review status: criteria provided, single submitter. Criteria: Invitae Variant Classification Sherloc (09022015). Collection method: clinical testing. Allele origin: germline.
Comment: This sequence change replaces leucine, which is neutral and non-polar, with arginine, which is basic and polar, at codon 220 of the RAD51C protein (p.Leu220Arg). This variant is not present in population databases (gnomAD no frequency). This variant has not been reported in the literature in individuals affected with RAD51C-related conditions. Invitae Evidence Modeling of protein sequence and biophysical properties (such as structural, functional, and spatial information, amino acid conservation, physicochemical variation, residue mobility, and thermodynamic stability) has been performed for this missense variant. However, the output from this modeling did not meet the statistical confidence thresholds required to predict the impact of this variant on RAD51C protein function. In summary, the available evidence is currently insufficient to determine the role of this variant in disease. Therefore, it has been classified as a Variant of Uncertain Significance.